The following is an entry in ClinVar:

NM_018646.6(TRPV6):c.1110C>T (p.Cys370=)

Gene: TRPV6 (transient receptor potential cation channel subfamily V member 6; minus strand). Cytogenetic location: 7q34.
Variant type: single nucleotide variant.
Coding change: c.1110C>T on transcript NM_018646.6 (MANE Select); coding-DNA position 1110, C replaced by T.
Protein change: p.Cys370=; no amino-acid change (cysteine 370 retained).
Molecular consequence: synonymous variant.
Genome position (GRCh38, 1-based): chr7:142,875,600, G>A on the plus strand (C>T on the coding strand, the complement: TRPV6 is on the minus strand). VCF-style: chr7-142875600-G-A. GRCh37 (hg19) VCF-style: chr7-142573353-G-A.
Other names: c.1110C>T (NM_018646.5).
Identifiers: ClinVar variation 2716275 (VCV002716275.6), dbSNP rs145524831, ClinGen allele CA4532624.
Genomic context (GRCh38, chr7:142,875,600, plus strand): 5'-GCGGTAGATGCAGCACATGGTGAAGCAGATGATGTACAGCAGATATATGGCACCCAGCAT[G>A]CAGAAGTACGGCCGCCCGTACCGCTTCCACTTGAGGCTCACCAGCTCCTTCACCGGCGTC-3'
Protein context (NP_061116.5, residues 360-380): KWKRYGRPYF[Cys370=]MLGAIYLLYI

ClinVar aggregate classification (germline): Benign/Likely benign. Review status: criteria provided, multiple submitters, no conflicts (2 of 4 stars). 3 submissions from 3 submitters: Benign (1); Likely benign (1). 1 of the submissions does not count toward it. Last evaluated 2025-12-21.

Conditions:
TRPV6-related disorder. Also called: TRPV6-related condition.

Allele frequency attached by ClinVar (database versions not stated): gnomAD exomes 0.00009; 1000 Genomes Project 0.00020; ExAC 0.00024; 1000 Genomes Project 30x 0.00031; gnomAD 0.00073; TOPMed 0.00077; ESP Exome Variant Server 0.00085.
gnomAD v4.1: 251 of 1,613,804 alleles (0.016%); highest among the groups gnomAD compares: African/African-American, 0.28%; no homozygotes.

Submissions (3):

Labcorp Genetics (formerly Invitae), Labcorp
Classification: Benign. Last evaluated: 2025-12-21. Review status: criteria provided, single submitter. Criteria: Invitae Variant Classification Sherloc (09022015). Collection method: clinical testing. Allele origin: germline.

Blueprint Genetics
Classification: Likely benign. Last evaluated: 2024-09-23. Review status: criteria provided, single submitter. Criteria: ACMG Guidelines, 2015. Collection method: clinical testing. Allele origin: germline.

PreventionGenetics, part of Exact Sciences
Classification: Likely benign for TRPV6-related condition. Last evaluated: 2019-07-12. Review status: no assertion criteria provided. Collection method: clinical testing. Allele origin: germline. Not counted in ClinVar's aggregate classification.
Comment: This variant is classified as likely benign based on ACMG/AMP sequence variant interpretation guidelines (Richards et al. 2015 PMID: 25741868, with internal and published modifications).